The following is an entry in ClinVar:

ClinVar aggregate classification (germline): Uncertain significance (1 of 4 stars; one submission).

Conditions:
Anemia, congenital dyserythropoietic, type 1a (CDAN1A). Also called: CDAN1-Related Congenital Dyserythropoietic Anemia; DYSERYTHROPOIETIC ANEMIA, CONGENITAL, TYPE Ia. Identifiers: MedGen C5574667, MONDO:0009135, OMIM 224120.

gnomAD v4.1: 41 of 1,613,348 alleles (0.0025%); highest among the groups gnomAD compares: Middle Eastern, 0.017%; no homozygotes.

Submission:

Center for Genomics, Ann and Robert H. Lurie Children's Hospital of Chicago
Classification: Uncertain significance for Anemia, congenital dyserythropoietic, type 1a. Last evaluated: 2021-07-09. Review status: criteria provided, single submitter. Criteria: ACMG Guidelines, 2015. Collection method: clinical testing. Allele origin: germline.
Comment: CDAN1 NM_138477.2 intron 21 c.2868+4C>T: This variant has not been reported in the literature and is not present in large control databases. Evolutionary conservation and computational predictive tools for this variant are limited or unavailable. This variant is an intronic variant with no predicted change in the amino acid sequence but may have an unknown effect on splicing. Further studies are needed to understand its impact. In summary, data on this variant is insufficient for disease classification. Therefore, the clinical significance of this variant is uncertain.

NM_138477.4(CDAN1):c.2868+4C>T

Gene: CDAN1 (codanin 1; minus strand). Cytogenetic location: 15q15.2.
Variant type: single nucleotide variant.
Coding change: c.2868+4C>T on transcript NM_138477.4 (MANE Select); 4 bases into the intron after coding-DNA position 2868, C replaced by T.
Molecular consequence: intron variant.
Genome position (GRCh38, 1-based): chr15:42,728,200, G>A on the plus strand (C>T on the coding strand, the complement: CDAN1 is on the minus strand). VCF-style: chr15-42728200-G-A. GRCh37 (hg19) VCF-style: chr15-43020398-G-A.
Identifiers: ClinVar variation 1675159 (VCV001675159.1), dbSNP rs749746339, ClinGen allele CA7515427.
Genomic context (GRCh38, chr15:42,728,200, plus strand): 5'-GACTACTCCGTGCACCTCCCCACAACTGCCTGGCCTGCTAGCTGCAGGCCTCCCTCACAC[G>A]TACGGCTGCCGGGGTCTCCTCTGGAAGCAGCGCCCGCACAGCCCCAGGGCTCTTCCTTTG-3'